The following is an entry in ClinVar:

ClinVar aggregate classification (germline): Uncertain significance (1 of 4 stars; one submission).

Conditions:
Congenital contractural arachnodactyly (CCA). Also called: Beals-Hecht syndrome; Arthrogryposis, distal, type 9; BEALS SYNDROME. Identifiers: Orphanet 115, MedGen C0220668, MONDO:0007363, OMIM 121050.

gnomAD v4.1: 13 of 1,613,988 alleles (0.00081%); highest among the groups gnomAD compares: South Asian, 0.014%; no homozygotes.

Submission:

Labcorp Genetics (formerly Invitae), Labcorp
Classification: Uncertain significance for Congenital contractural arachnodactyly. Last evaluated: 2020-09-11. Review status: criteria provided, single submitter. Criteria: Invitae Variant Classification Sherloc (09022015). Collection method: clinical testing. Allele origin: germline.
Comment: In summary, the available evidence is currently insufficient to determine the role of this variant in disease. Therefore, it has been classified as a Variant of Uncertain Significance. Algorithms developed to predict the effect of sequence changes on RNA splicing suggest that this variant may create or strengthen a splice site, but this prediction has not been confirmed by published transcriptional studies. This sequence change affects codon 2620 of the FBN2 mRNA. It is a 'silent' change, meaning that it does not change the encoded amino acid sequence of the FBN2 protein. This variant is present in population databases (rs772818240, ExAC 0.006%). This variant has not been reported in the literature in individuals with FBN2-related conditions.

NM_001999.4(FBN2):c.7860G>T (p.Gly2620=)

Gene: FBN2 (fibrillin 2; minus strand). Cytogenetic location: 5q23.3.
Variant type: single nucleotide variant.
Coding change: c.7860G>T on transcript NM_001999.4 (MANE Select); coding-DNA position 7860, G replaced by T.
Protein change: p.Gly2620=; no amino-acid change (glycine 2620 retained).
Molecular consequence: synonymous variant.
Genome position (GRCh38, 1-based): chr5:128,272,099, C>A on the plus strand (G>T on the coding strand, the complement: FBN2 is on the minus strand). VCF-style: chr5-128272099-C-A. GRCh37 (hg19) VCF-style: chr5-127607791-C-A.
Identifiers: ClinVar variation 1009017 (VCV001009017.9), dbSNP rs772818240, ClinGen allele CA3393988.